The following is an entry in ClinVar:

ClinVar aggregate classification (germline): Likely benign. Review status: criteria provided, multiple submitters, no conflicts (2 of 4 stars). 2 submissions from 2 submitters: Likely benign (2). Last evaluated 2025-11-01.

Conditions:
Cone-rod dystrophy 6 (CORD6). Also called: RETINAL CONE DYSTROPHY 2; Cone dystrophy progressive. Identifiers: Orphanet 1872, MedGen C1866293, MONDO:0011143, OMIM 601777.
Leber congenital amaurosis 1 (LCA1). Also called: RETINAL BLINDNESS, CONGENITAL; Congenital absence of the rods and cones; Leber's congenital tapetoretinal degeneration; Leber's congenital tapetoretinal dysplasia; AMAUROSIS CONGENITA OF LEBER I. Identifiers: Orphanet 65, MedGen C2931258, MONDO:0008764, OMIM 204000.

Allele frequency attached by ClinVar (database versions not stated): gnomAD exomes below 0.00001.
gnomAD v4.1: 4 of 1,613,754 alleles (0.00025%); highest among the groups gnomAD compares: Admixed American, 0.0033%; no homozygotes.

Submissions (2):

CeGaT Center for Human Genetics Tuebingen
Classification: Likely benign. Last evaluated: 2025-11-01. Review status: criteria provided, single submitter. Criteria: CeGaT Center For Human Genetics Tuebingen Variant Classification Criteria Version 2. Collection method: clinical testing. Allele origin: germline. Affected: yes. Observed: 1 variant allele.
Comment: GUCY2D: BP4, BP7

Labcorp Genetics (formerly Invitae), Labcorp
Classification: Likely benign for Leber congenital amaurosis 1; Cone-rod dystrophy 6. Last evaluated: 2023-12-28. Review status: criteria provided, single submitter. Criteria: Invitae Variant Classification Sherloc (09022015). Collection method: clinical testing. Allele origin: germline.

NM_000180.4(GUCY2D):c.822C>G (p.Val274=)

Gene: GUCY2D (guanylate cyclase 2D, retinal; plus strand). Cytogenetic location: 17p13.1.
Variant type: single nucleotide variant.
Coding change: c.822C>G on transcript NM_000180.4 (MANE Select); coding-DNA position 822, C replaced by G.
Protein change: p.Val274=; no amino-acid change (valine 274 retained).
Molecular consequence: synonymous variant.
Genome position (GRCh38, 1-based): chr17:8,003,952, C>G. VCF-style: chr17-8003952-C-G. GRCh37 (hg19) VCF-style: chr17-7907270-C-G.
Identifiers: ClinVar variation 2165140 (VCV002165140.10), dbSNP rs2151799672, ClinGen allele CA497748151.